The following is an entry in ClinVar:

NM_182972.3(IRF2BP2):c.1672G>A (p.Val558Met)

Gene: IRF2BP2 (interferon regulatory factor 2 binding protein 2; minus strand). Cytogenetic location: 1q42.3.
Variant type: single nucleotide variant.
Coding change: c.1672G>A on transcript NM_182972.3 (MANE Select); coding-DNA position 1672, G replaced by A.
Protein change: p.Val558Met; replaces valine 558 with methionine.
Molecular consequence: missense variant.
Genome position (GRCh38, 1-based): chr1:234,607,229, C>T on the plus strand (G>A on the coding strand, the complement: IRF2BP2 is on the minus strand). VCF-style: chr1-234607229-C-T. GRCh37 (hg19) VCF-style: chr1-234742975-C-T.
Other names: c.1624G>A, p.Val542Met (NM_001077397.1); short protein forms V558M, V542M.
Identifiers: ClinVar variation 1519919 (VCV001519919.6), dbSNP rs747870654, ClinGen allele CA345304980.

ClinVar aggregate classification (germline): Uncertain significance (1 of 4 stars; one submission).

Allele frequency attached by ClinVar (database versions not stated): gnomAD 0.00001.
gnomAD v4.1: 20 of 1,614,110 alleles (0.0012%); highest among the groups gnomAD compares: Non-Finnish European, 0.0014%; no homozygotes.

Submission:

Labcorp Genetics (formerly Invitae), Labcorp
Classification: Uncertain significance. Last evaluated: 2025-08-06. Review status: criteria provided, single submitter. Criteria: Invitae Variant Classification Sherloc (09022015). Collection method: clinical testing. Allele origin: germline.
Comment: This sequence change replaces valine, which is neutral and non-polar, with methionine, which is neutral and non-polar, at codon 558 of the IRF2BP2 protein (p.Val558Met). This variant is present in population databases (no rsID available, gnomAD 0.007%). This variant has not been reported in the literature in individuals affected with IRF2BP2-related conditions. ClinVar contains an entry for this variant (Variation ID: 1519919). An algorithm developed to predict the effect of missense changes on protein structure and function (PolyPhen-2) suggests that this variant is likely to be disruptive. In summary, the available evidence is currently insufficient to determine the role of this variant in disease. Therefore, it has been classified as a Variant of Uncertain Significance.